The following is an entry in ClinVar:

NM_020884.7(MYH7B):c.4354A>C (p.Lys1452Gln)

Gene: MYH7B (myosin heavy chain 7B; plus strand). Cytogenetic location: 20q11.22.
Variant type: single nucleotide variant.
Coding change: c.4354A>C on transcript NM_020884.7 (MANE Select); coding-DNA position 4354, A replaced by C.
Protein change: p.Lys1452Gln; replaces lysine 1452 with glutamine.
Molecular consequence: missense variant.
Genome position (GRCh38, 1-based): chr20:34,999,219, A>C. VCF-style: chr20-34999219-A-C. GRCh37 (hg19) VCF-style: chr20-33587022-A-C.
Other names: short protein forms K1452Q.
Identifiers: ClinVar variation 1498038 (VCV001498038.8), dbSNP rs781305185, ClinGen allele CA9828082.
Genomic context (GRCh38, chr20:34,999,219, plus strand): 5'-TCAGAGGATGTAACCCTGGAGCTGGAGCGGGCGACCTCAGCAGCTGCTGCGCTGGACAAG[A>C]AGCAGCGGCACTTGGAACGGGCACTGGAGGAACGGCGGCGGCAGGAGGAGGAGATGCAGC-3'
Protein context (NP_065935.4, residues 1442-1462): ATSAAAALDK[Lys1452Gln]QRHLERALEE

ClinVar aggregate classification (germline): Uncertain significance (1 of 4 stars; one submission).

Allele frequency attached by ClinVar (database versions not stated): gnomAD 0.00001; gnomAD exomes 0.00004 and 0.00007; TOPMed 0.00005; ExAC 0.00011.
gnomAD v4.1: 59 of 1,611,426 alleles (0.0037%); highest among the groups gnomAD compares: Admixed American, 0.01%; no homozygotes.

Submission:

Labcorp Genetics (formerly Invitae), Labcorp
Classification: Uncertain significance. Last evaluated: 2026-02-01. Review status: criteria provided, single submitter. Criteria: Invitae Variant Classification Sherloc (09022015). Collection method: clinical testing. Allele origin: germline.
Comment: This sequence change replaces lysine, which is basic and polar, with glutamine, which is neutral and polar, at codon 1494 of the MYH7B protein (p.Lys1494Gln). This variant is present in population databases (rs781305185, gnomAD 0.01%). This variant has not been reported in the literature in individuals affected with MYH7B-related conditions. ClinVar contains an entry for this variant (Variation ID: 1498038). Invitae Evidence Modeling of protein sequence and biophysical properties (such as structural, functional, and spatial information, amino acid conservation, physicochemical variation, residue mobility, and thermodynamic stability) indicates that this missense variant is expected to disrupt MYH7B protein function with a positive predictive value of 80%. In summary, the available evidence is currently insufficient to determine the role of this variant in disease. Therefore, it has been classified as a Variant of Uncertain Significance.